The following is an entry in ClinVar:

ClinVar aggregate classification (germline): Likely benign (1 of 4 stars; one submission).

Allele frequency attached by ClinVar (database versions not stated): 1000 Genomes Project 0.00120; 1000 Genomes Project 30x 0.00125; TOPMed 0.00374; gnomAD 0.00414; ESP Exome Variant Server 0.00416.
gnomAD v4.1: 9,164 of 1,597,838 alleles (0.57%); highest among the groups gnomAD compares: Non-Finnish European, 0.68%; 33 homozygotes.

Submission:

CeGaT Center for Human Genetics Tuebingen
Classification: Likely benign. Last evaluated: 2022-12-01. Review status: criteria provided, single submitter. Criteria: CeGaT Center For Human Genetics Tuebingen Variant Classification Criteria Version 2. Collection method: clinical testing. Allele origin: germline. Affected: yes. Observed: 3 variant alleles.
Comment: KCNK16: BP4, BS2

NM_001135106.2(KCNK16):c.817G>A (p.Val273Ile)

Gene: KCNK16 (potassium two pore domain channel subfamily K member 16; minus strand). Cytogenetic location: 6p21.2.
Variant type: single nucleotide variant.
Coding change: c.817G>A on transcript NM_001135106.2 (MANE Select); coding-DNA position 817, G replaced by A.
Protein change: p.Val273Ile; replaces valine 273 with isoleucine.
Molecular consequence: missense variant. On other transcripts: intron variant (4).
Genome position (GRCh38, 1-based): chr6:39,316,287, C>T on the plus strand (G>A on the coding strand, the complement: KCNK16 is on the minus strand). VCF-style: chr6-39316287-C-T. GRCh37 (hg19) VCF-style: chr6-39284063-C-T.
Other names: c.466+495G>A (NM_001363784.1); c.661+495G>A (NM_001135107.2, NM_001135105.2); c.802+15G>A (NM_032115.4); short protein forms V273I.
Identifiers: ClinVar variation 2656535 (VCV002656535.24), dbSNP rs185274513, ClinGen allele CA3793397.